The following is an entry in ClinVar:

ClinVar aggregate classification (germline): Uncertain significance. Review status: criteria provided, multiple submitters, no conflicts (2 of 4 stars). 2 submissions from 2 submitters: Uncertain significance (2). Last evaluated 2024-06-24.

Conditions:
Primary immunodeficiency with natural-killer cell deficiency and adrenal insufficiency (IMD54). Also called: Natural killer cell and glucocorticoid deficiency with DNA repair defect; IMMUNODEFICIENCY 54. Identifiers: Orphanet 75391, MedGen C1864947, MONDO:0012383, OMIM 609981.

Allele frequency attached by ClinVar (database versions not stated): gnomAD 0.00001; TOPMed 0.00003; gnomAD exomes 0.00005 and 0.00007; ExAC 0.00008.
gnomAD v4.1: 98 of 1,613,784 alleles (0.0061%); highest among the groups gnomAD compares: Non-Finnish European, 0.0076%; no homozygotes.

Submissions (2):

Labcorp Genetics (formerly Invitae), Labcorp
Classification: Uncertain significance. Last evaluated: 2024-06-24. Review status: criteria provided, single submitter. Criteria: Invitae Variant Classification Sherloc (09022015). Collection method: clinical testing. Allele origin: germline.
Comment: This sequence change replaces arginine, which is basic and polar, with tryptophan, which is neutral and slightly polar, at codon 701 of the MCM4 protein (p.Arg701Trp). This variant is present in population databases (rs767399226, gnomAD 0.01%). This variant has not been reported in the literature in individuals affected with MCM4-related conditions. ClinVar contains an entry for this variant (Variation ID: 1033043). Advanced modeling of protein sequence and biophysical properties (such as structural, functional, and spatial information, amino acid conservation, physicochemical variation, residue mobility, and thermodynamic stability) performed at Invitae indicates that this missense variant is not expected to disrupt MCM4 protein function with a negative predictive value of 80%. In summary, the available evidence is currently insufficient to determine the role of this variant in disease. Therefore, it has been classified as a Variant of Uncertain Significance.

Baylor Genetics
Classification: Uncertain significance for Primary immunodeficiency with natural-killer cell deficiency and adrenal insufficiency. Last evaluated: 2018-11-15. Review status: criteria provided, single submitter. Criteria: ACMG Guidelines, 2015. Collection method: clinical testing. Allele origin: paternal. Affected: yes.
Comment: This variant was determined to be of uncertain significance according to ACMG Guidelines, 2015 [PMID:25741868].

NM_182746.3(MCM4):c.2101C>T (p.Arg701Trp)

Gene: MCM4 (minichromosome maintenance complex component 4; plus strand). Cytogenetic location: 8q11.21.
Variant type: single nucleotide variant.
Coding change: c.2101C>T on transcript NM_182746.3 (MANE Select); coding-DNA position 2101, C replaced by T.
Protein change: p.Arg701Trp; replaces arginine 701 with tryptophan.
Molecular consequence: missense variant.
Genome position (GRCh38, 1-based): chr8:47,973,029, C>T. VCF-style: chr8-47973029-C-T. GRCh37 (hg19) VCF-style: chr8-48885589-C-T.
Other names: c.2101C>T, p.Arg701Trp (NM_005914.4); short protein forms R701W.
Identifiers: ClinVar variation 1033043 (VCV001033043.6), dbSNP rs767399226, ClinGen allele CA4742800.